The following is an entry in ClinVar:

NM_004281.4(BAG3):c.1436C>T (p.Ala479Val)

Gene: BAG3 (BAG cochaperone 3; plus strand). Cytogenetic location: 10q26.11.
Variant type: single nucleotide variant.
Coding change: c.1436C>T on transcript NM_004281.4 (MANE Select); coding-DNA position 1436, C replaced by T.
Protein change: p.Ala479Val; replaces alanine 479 with valine.
Molecular consequence: missense variant.
Genome position (GRCh38, 1-based): chr10:119,676,990, C>T. VCF-style: chr10-119676990-C-T. GRCh37 (hg19) VCF-style: chr10-121436502-C-T.
Other names: p.A479V:GCC>GTC; p.Ala479Val; short protein forms A479V.
Identifiers: ClinVar variation 192113 (VCV000192113.37), dbSNP rs34656239, ClinGen allele CA302591.

ClinVar aggregate classification (germline): Conflicting classifications of pathogenicity. Review status: criteria provided, conflicting classifications (1 of 4 stars). 17 submissions from 16 submitters: Uncertain significance (4); Benign (1); Likely benign (8). 4 of the submissions do not count toward it. Last evaluated 2026-09-21.

Conditions:
BAG3-related disorder. Also called: BAG3-related condition.
Cardiovascular phenotype. Identifiers: MedGen CN230736.
Dilated cardiomyopathy 1HH (CMD1HH). Identifiers: Orphanet 154, MedGen C3151293, MONDO:0013479, OMIM 613881.
Myofibrillar myopathy 6. Identifiers: Orphanet 199340, MedGen C2751831, MONDO:0013061, OMIM 612954.

Allele frequency attached by ClinVar (database versions not stated): gnomAD exomes 0.00021; ExAC 0.00025; 1000 Genomes Project 30x 0.00094; gnomAD 0.00097 and 0.00089; ESP Exome Variant Server 0.00100; 1000 Genomes Project 0.00080; TOPMed 0.00103.
gnomAD v4.1: 255 of 1,614,138 alleles (0.016%); highest among the groups gnomAD compares: African/African-American, 0.32%; no homozygotes.

Submissions (17):

Molecular Diagnostic Laboratory for Inherited Cardiovascular Disease, Montreal Heart Institute
Classification: Uncertain significance for Cardiovascular phenotype. Last evaluated: 2026-09-21. Review status: criteria provided, single submitter. Criteria: ACMG Guidelines, 2015. Collection method: clinical testing. Allele origin: germline. Affected: yes.
Comment: PS3_supp, PS4_supp, BS1

Labcorp Genetics (formerly Invitae), Labcorp
Classification: Likely benign for Dilated cardiomyopathy 1HH; Myofibrillar myopathy 6. Last evaluated: 2026-02-01. Review status: criteria provided, single submitter. Criteria: Invitae Variant Classification Sherloc (09022015). Collection method: clinical testing. Allele origin: germline.

Mayo Clinic Laboratories, Mayo Clinic
Classification: Likely benign. Last evaluated: 2025-07-29. Review status: criteria provided, single submitter. Criteria: ACMG Guidelines, 2015. Collection method: clinical testing. Allele origin: germline. Observed: 2 variant alleles.
Comment: BS1, BS2, PP3_moderate, PS3_supporting

Blueprint Genetics
Classification: Likely benign. Last evaluated: 2024-11-01. Review status: criteria provided, single submitter. Criteria: ACMG Guidelines, 2015. Collection method: clinical testing. Allele origin: germline.

Women's Health and Genetics/Laboratory Corporation of America, LabCorp
Classification: Likely benign. Last evaluated: 2023-01-29. Review status: criteria provided, single submitter. Criteria: LabCorp Variant Classification Summary - May 2015. Collection method: clinical testing. Allele origin: germline.

New York Genome Center
Classification: Uncertain significance for Dilated cardiomyopathy 1HH; Myofibrillar myopathy 6. Last evaluated: 2021-11-10. Review status: criteria provided, single submitter. Criteria: NYGC Assertion Criteria 2020. Collection method: clinical testing. Allele origin: germline. Observed: 1 heterozygote.

GeneDx
Classification: Likely benign. Last evaluated: 2020-01-28. Review status: criteria provided, single submitter. Criteria: GeneDx Variant Classification Process June 2021. Collection method: clinical testing. Allele origin: germline. Affected: yes.
Comment: This variant is associated with the following publications: (PMID: 23861362, 30140897)

Ambry Genetics
Classification: Likely benign for Cardiovascular phenotype. Last evaluated: 2019-03-22. Review status: criteria provided, single submitter. Criteria: Ambry Variant Classification Scheme 2023. Collection method: clinical testing. Allele origin: germline.

Eurofins Ntd Llc (ga)
Classification: Likely benign. Last evaluated: 2018-05-16. Review status: criteria provided, single submitter. Criteria: EGL ClinVar v180209 classification definitions. Collection method: clinical testing. Allele origin: germline. Observed: 1 variant allele, 1 heterozygote.

Illumina Laboratory Services, Illumina
Classification: Uncertain significance for Dilated cardiomyopathy 1HH. Last evaluated: 2018-01-13. Review status: criteria provided, single submitter. Criteria: ICSL Variant Classification Criteria 13 December 2019. Collection method: clinical testing. Allele origin: germline.

Illumina Laboratory Services, Illumina
Classification: Benign for Myofibrillar myopathy 6. Last evaluated: 2018-01-13. Review status: criteria provided, single submitter. Criteria: ICSL Variant Classification Criteria 13 December 2019. Collection method: clinical testing. Allele origin: germline.
Comment: This variant was observed in the ICSL laboratory as part of a predisposition screen in an ostensibly healthy population. It had not been previously curated by ICSL or reported in the Human Gene Mutation Database (HGMD: prior to June 1st, 2018), and was therefore a candidate for classification through an automated scoring system. Utilizing variant allele frequency, disease prevalence and penetrance estimates, and inheritance mode, an automated score was calculated to assess if this variant is too frequent to cause the disease. Based on the score and internal cut-off values, a variant classified as benign is not then subjected to further curation. The score for this variant resulted in a classification of benign for this disease.

Stanford Center for Inherited Cardiovascular Disease, Stanford University
Classification: Uncertain significance. Last evaluated: 2014-06-03. Review status: criteria provided, single submitter. Criteria: ACMG Guidelines, 2015. Collection method: provider interpretation. Allele origin: germline.

Biesecker Lab/Clinical Genomics Section, National Institutes of Health
Classification: Likely benign. Last evaluated: 2013-06-24. Review status: criteria provided, single submitter. Criteria: Ng et al. (Circ Cardiovasc Genet. 2013). Collection method: research. Allele origin: unknown. Observed: 1 variant allele. Study: ClinSeq.
Comment: The study set was not selected for affection status in relation to any cancer. Pathogenicity categories were based on literature curation. See Pubmed ID:23861362 for details.

Medical sequencing

PreventionGenetics, part of Exact Sciences
Classification: Likely benign for BAG3-related condition. Last evaluated: 2019-07-19. Review status: no assertion criteria provided. Collection method: clinical testing. Allele origin: germline. Not counted in ClinVar's aggregate classification.
Comment: This variant is classified as likely benign based on ACMG/AMP sequence variant interpretation guidelines (Richards et al. 2015 PMID: 25741868, with internal and published modifications).

Clinical Genetics DNA and cytogenetics Diagnostics Lab, Erasmus MC, Erasmus Medical Center
Classification: Likely benign. Review status: no assertion criteria provided. Collection method: clinical testing. Allele origin: germline. Affected: yes. Study: VKGL Data-share Consensus. Not counted in ClinVar's aggregate classification.

Clinical Genetics, Academic Medical Center
Classification: Benign. Review status: no assertion criteria provided. Collection method: clinical testing. Allele origin: germline. Affected: yes. Study: VKGL Data-share Consensus. Not counted in ClinVar's aggregate classification.

Genome Diagnostics Laboratory, University Medical Center Utrecht
Classification: Likely benign. Review status: no assertion criteria provided. Collection method: clinical testing. Allele origin: germline. Affected: yes. Study: VKGL Data-share Consensus. Not counted in ClinVar's aggregate classification.

Literature cited by the submitters: PubMed 30140897 (cited by Mayo Clinic Laboratories, Mayo Clinic and Ambry Genetics); PubMed 32956817 (cited by Mayo Clinic Laboratories, Mayo Clinic); PubMed 23861362 (cited by Ambry Genetics).